The following is an entry in ClinVar:

NM_006514.4(SCN10A):c.842T>G (p.Met281Arg)

Gene: SCN10A (sodium voltage-gated channel alpha subunit 10; minus strand). Cytogenetic location: 3p22.2.
Variant type: single nucleotide variant.
Coding change: c.842T>G on transcript NM_006514.4 (MANE Select); coding-DNA position 842, T replaced by G.
Protein change: p.Met281Arg; replaces methionine 281 with arginine.
Molecular consequence: missense variant.
Genome position (GRCh38, 1-based): chr3:38,761,233, A>C on the plus strand (T>G on the coding strand, the complement: SCN10A is on the minus strand). VCF-style: chr3-38761233-A-C. GRCh37 (hg19) VCF-style: chr3-38802724-A-C.
Other names: c.842T>G (NM_006514.2); c.842T>G, p.Met281Arg (NM_001293306.2, NM_001293307.2); short protein forms M281R.
Identifiers: ClinVar variation 2055088 (VCV002055088.7), dbSNP rs2470807936, ClinGen allele CA352171545.

ClinVar aggregate classification (germline): Uncertain significance. Review status: criteria provided, multiple submitters, no conflicts (2 of 4 stars). 2 submissions from 2 submitters: Uncertain significance (2). Last evaluated 2025-01-31.

Conditions:
Brugada syndrome. Also called: Sudden unexpected nocturnal death syndrome; Sudden unexplained nocturnal death syndrome; Sudden Unexplained Death Syndrome; Sudden Unexplained Nocturnal Death Syndrome (SUNDS). Identifiers: Orphanet 130, MedGen C1142166, MONDO:0015263.
Cardiovascular phenotype. Identifiers: MedGen CN230736.

Allele frequency attached by ClinVar (database versions not stated): gnomAD exomes 0.00002.
gnomAD v4.1: 27 of 1,609,378 alleles (0.0017%); highest among the groups gnomAD compares: Non-Finnish European, 0.0023%; no homozygotes.

Submissions (2):

Ambry Genetics
Classification: Uncertain significance for Cardiovascular phenotype. Last evaluated: 2025-01-31. Review status: criteria provided, single submitter. Criteria: Ambry Variant Classification Scheme 2023. Collection method: clinical testing. Allele origin: germline.
Comment: The p.M281R variant (also known as c.842T>G), located in coding exon 6 of the SCN10A gene, results from a T to G substitution at nucleotide position 842. The methionine at codon 281 is replaced by arginine, an amino acid with similar properties. This amino acid position is conserved. In addition, this alteration is predicted to be tolerated by in silico analysis. Since supporting evidence is limited at this time, the clinical significance of this alteration remains unclear.

Labcorp Genetics (formerly Invitae), Labcorp
Classification: Uncertain significance for Brugada syndrome. Last evaluated: 2022-05-05. Review status: criteria provided, single submitter. Criteria: Invitae Variant Classification Sherloc (09022015). Collection method: clinical testing. Allele origin: germline.
Comment: In summary, the available evidence is currently insufficient to determine the role of this variant in disease. Therefore, it has been classified as a Variant of Uncertain Significance. Advanced modeling of protein sequence and biophysical properties (such as structural, functional, and spatial information, amino acid conservation, physicochemical variation, residue mobility, and thermodynamic stability) performed at Invitae indicates that this missense variant is not expected to disrupt SCN10A protein function. This variant has not been reported in the literature in individuals affected with SCN10A-related conditions. This variant is not present in population databases (gnomAD no frequency). This sequence change replaces methionine, which is neutral and non-polar, with arginine, which is basic and polar, at codon 281 of the SCN10A protein (p.Met281Arg).